The following is an entry in ClinVar:

ClinVar aggregate classification (germline): Conflicting classifications of pathogenicity. Review status: criteria provided, conflicting classifications (1 of 4 stars). 3 submissions from 3 submitters: Uncertain significance (1); Likely benign (2). Last evaluated 2025-04-26.

Conditions:
MYO9A-related disorder. Also called: MYO9A-related condition.

Allele frequency attached by ClinVar (database versions not stated): 1000 Genomes Project 30x 0.00016; 1000 Genomes Project 0.00020; TOPMed 0.00066; gnomAD 0.00081 and 0.00086; ExAC 0.00087; gnomAD exomes 0.00091 and 0.00147; ESP Exome Variant Server 0.00131.
gnomAD v4.1: 2,258 of 1,611,886 alleles (0.14%); highest among the groups gnomAD compares: South Asian, 0.22%; 8 homozygotes.

Submissions (3):

PreventionGenetics, part of Exact Sciences
Classification: Likely benign for MYO9A-related condition. Last evaluated: 2025-04-26. Review status: criteria provided, single submitter. Criteria: ACMG Guidelines, 2015. Collection method: clinical testing. Allele origin: germline.
Comment: This variant is classified as likely benign based on ACMG/AMP sequence variant interpretation guidelines (Richards et al. 2015 PMID: 25741868, with internal and published modifications).

Labcorp Genetics (formerly Invitae), Labcorp
Classification: Likely benign. Last evaluated: 2019-12-31. Review status: criteria provided, single submitter. Criteria: Invitae Variant Classification Sherloc (09022015). Collection method: clinical testing. Allele origin: germline.

CeGaT Center for Human Genetics Tuebingen
Classification: Uncertain significance. Last evaluated: 2018-03-01. Review status: criteria provided, single submitter. Criteria: CeGaT Center For Human Genetics Tuebingen Variant Classification Criteria Version 2. Collection method: clinical testing. Allele origin: germline. Affected: yes. Observed: 1 variant allele.

NM_006901.4(MYO9A):c.1987-6A>G

Gene: MYO9A (myosin IXA; minus strand). Cytogenetic location: 15q23.
Variant type: single nucleotide variant.
Coding change: c.1987-6A>G on transcript NM_006901.4 (MANE Select); 6 bases into the intron before coding-DNA position 1987, A replaced by G.
Molecular consequence: intron variant.
Genome position (GRCh38, 1-based): chr15:71,960,102, T>C on the plus strand (A>G on the coding strand, the complement: MYO9A is on the minus strand). VCF-style: chr15-71960102-T-C. GRCh37 (hg19) VCF-style: chr15-72252443-T-C.
Identifiers: ClinVar variation 773050 (VCV000773050.47), dbSNP rs200246273, ClinGen allele CA7642039.